The following is an entry in ClinVar:

ClinVar aggregate classification (germline): Pathogenic (1 of 4 stars; one submission).

Conditions:
Hereditary cancer-predisposing syndrome. Also called: Hereditary Cancer Syndrome; Neoplastic Syndromes, Hereditary; Tumor predisposition; Hereditary neoplastic syndrome. Identifiers: Orphanet 140162, MedGen C0027672, MeSH D009386, MONDO:0015356.

Submission:

Ambry Genetics
Classification: Pathogenic for Hereditary cancer-predisposing syndrome. Last evaluated: 2022-09-30. Review status: criteria provided, single submitter. Criteria: Ambry Variant Classification Scheme 2023. Collection method: clinical testing. Allele origin: germline.
Comment: The p.R1633* pathogenic mutation (also known as c.4897A>T), located in coding exon 31 of the ATM gene, results from an A to T substitution at nucleotide position 4897. This changes the amino acid from an arginine to a stop codon within coding exon 31. This variant is considered to be rare based on population cohorts in the Genome Aggregation Database (gnomAD). This alteration is expected to result in loss of function by premature protein truncation or nonsense-mediated mRNA decay. As such, this alteration is interpreted as a disease-causing mutation.

NM_000051.4(ATM):c.4897A>T (p.Arg1633Ter)

Gene: ATM (ATM serine/threonine kinase; plus strand). Cytogenetic location: 11q22.3.
Variant type: single nucleotide variant.
Coding change: c.4897A>T on transcript NM_000051.4 (MANE Select); coding-DNA position 4897, A replaced by T.
Protein change: p.Arg1633Ter; replaces arginine 1633 with a stop codon.
Molecular consequence: nonsense.
Genome position (GRCh38, 1-based): chr11:108,295,047, A>T. VCF-style: chr11-108295047-A-T. GRCh37 (hg19) VCF-style: chr11-108165774-A-T.
Other names: c.4897A>T, p.Arg1633Ter (NM_001351834.2); short protein forms R1633*.
Identifiers: ClinVar variation 1743881 (VCV001743881.2), dbSNP rs1591685231, ClinGen allele CA382537252.
Genomic context (GRCh38, chr11:108,295,047, plus strand): 5'-GGACTAAAGGATCTTCGAAGACAACTGGAACTACATAAAGATCAGATGGTGGACATTATG[A>T]GAGCTTCTCAGGGTGCTAATTTTAAATGACATGGGCTATTTCTACCTGTTTCTTTTTGAA-3'